The following is an entry in ClinVar:

ClinVar aggregate classification (germline): Uncertain significance (1 of 4 stars; one submission).

Submission:

CeGaT Center for Human Genetics Tuebingen
Classification: Uncertain significance. Last evaluated: 2023-11-01. Review status: criteria provided, single submitter. Criteria: CeGaT Center For Human Genetics Tuebingen Variant Classification Criteria Version 2. Collection method: clinical testing. Allele origin: germline. Affected: yes. Observed: 1 variant allele.
Comment: GFAP: PM2

NM_002055.5(GFAP):c.498G>T (p.Glu166Asp)

Gene: GFAP (glial fibrillary acidic protein; minus strand). Cytogenetic location: 17q21.31.
Variant type: single nucleotide variant.
Coding change: c.498G>T on transcript NM_002055.5 (MANE Select); coding-DNA position 498, G replaced by T.
Protein change: p.Glu166Asp; replaces glutamic acid 166 with aspartic acid.
Molecular consequence: missense variant.
Genome position (GRCh38, 1-based): chr17:44,914,052, C>A on the plus strand (G>T on the coding strand, the complement: GFAP is on the minus strand). VCF-style: chr17-44914052-C-A. GRCh37 (hg19) VCF-style: chr17-42991420-C-A.
Other names: c.498G>T, p.Glu166Asp (NM_001131019.3, NM_001242376.3, NM_001363846.2); short protein forms E166D.
Identifiers: ClinVar variation 2672698 (VCV002672698.23), dbSNP rs2508944327, ClinGen allele CA399846986.